The following is an entry in ClinVar:

NM_022455.5(NSD1):c.4217_4220del (p.Arg1406fs)

Gene: NSD1 (nuclear receptor binding SET domain protein 1; plus strand). Cytogenetic location: 5q35.3.
Variant type: Deletion.
Coding change: c.4217_4220del on transcript NM_022455.5 (MANE Select); coding-DNA positions 4217 to 4220, 4 bases deleted (GAAA; older notation c.4217_4220delGAAA).
Protein change: p.Arg1406fs; shifts the reading frame from arginine 1406.
Molecular consequence: frameshift variant.
Genome position (GRCh38, 1-based): chr5:177,239,780-177,239,783, GAAA deleted; deleting any 4 consecutive bases within chr5:177,239,777-177,239,783 gives the same sequence; the c. name uses the placement nearest the transcript's 3' end. VCF-style (leftmost placement, unchanged base first): chr5-177239776-CAAAG-C. GRCh37 (hg19) VCF-style: chr5-176666777-CAAAG-C.
Other names: p.Arg1406AsnfsTer12; c.4217_4220del (NM_022455.4); c.3344_3347delGAAA, p.Arg1115Asnfs (NM_001365684.2, NM_001409306.1, NM_001409307.1 and 3 more transcripts); c.4217_4220delGAAA, p.Arg1406Asnfs (NM_001409301.1, NM_001409302.1, NM_001409303.1); c.3797_3800delGAAA, p.Arg1266Asnfs (NM_001409304.1); c.3464_3467delGAAA, p.Arg1155Asnfs (NM_001409305.1); short protein forms R1137fs, R1406fs.
Identifiers: ClinVar variation 198903 (VCV000198903.13), dbSNP rs794727930, ClinGen allele CA303068.

ClinVar aggregate classification (germline): Pathogenic. Review status: criteria provided, multiple submitters, no conflicts (2 of 4 stars). 6 submissions from 6 submitters: Pathogenic (6). Last evaluated 2024-02-16.

Conditions:
Sotos syndrome (SOTOS). Also called: Sotos' syndrome; CHROMOSOME 5q35 DELETION SYNDROME; CEREBRAL GIGANTISM; Distinctive facial appearance, overgrowth in childhood, and learning disabilities or delayed development; SOTOS SYNDROME 1. Identifiers: Orphanet 821, MedGen C0175695, MONDO:0019349, OMIM 117550.
NSD1-related disorder. Also called: NSD1-related condition.

Submissions (6):

3billion
Classification: Pathogenic for Sotos syndrome. Last evaluated: 2024-02-16. Review status: criteria provided, single submitter. Criteria: ACMG Guidelines, 2015. Collection method: clinical testing. Allele origin: germline. Affected: yes.
Comment: The variant is not observed in the gnomAD v2.1.1 dataset. Predicted Consequence/Location: Frameshift: predicted to result in a loss or disruption of normal protein function through nonsense-mediated decay (NMD) or protein truncation. Multiple pathogenic variants are reported downstream of the variant. The variant has been reported at least twice as pathogenic with clinical assertions and evidence for the classification (ClinVar ID: VCV000198903 /PMID: 22924495). Therefore, this variant is classified as Pathogenic according to the recommendation of ACMG/AMP guideline.

GeneDx
Classification: Pathogenic. Last evaluated: 2023-05-08. Review status: criteria provided, single submitter. Criteria: GeneDx Variant Classification Process June 2021. Collection method: clinical testing. Allele origin: germline. Affected: yes.
Comment: Frameshift variant predicted to result in protein truncation or nonsense mediated decay in a gene for which loss of function is a known mechanism of disease; Not observed at significant frequency in large population cohorts (gnomAD); This variant is associated with the following publications: (PMID: 22924495)

Foundation for Research in Genetics and Endocrinology, FRIGE's Institute of Human Genetics
Classification: Pathogenic for Sotos syndrome. Last evaluated: 2021-10-08. Review status: criteria provided, single submitter. Criteria: ACMG Guidelines, 2015. Collection method: clinical testing. Allele origin: germline. Inheritance: Autosomal dominant inheritance. Affected: yes. Observed: 1 variant allele, 1 heterozygote.
Comment: A heterozygous 4 base pair deletion in exon 8 of the NSD1 gene that results in a frameshift and premature truncation of the protein 12 amino acids downstream to codon 1406 was detected. The observed variant c.4217_4220del (p.Arg1406AsnfsTer12) has not been reported in the 1000 genomes and gnomAD databases. The in silico prediction of the variant is damaging by MutationTaster2. The reference codon is conserved across species. In summary, the variant meets our criteria to be classified as a pathogenic variant.

Genome-Nilou Lab
Classification: Pathogenic for Sotos syndrome. Last evaluated: 2021-07-15. Review status: criteria provided, single submitter. Criteria: ACMG Guidelines, 2015. Collection method: clinical testing. Allele origin: germline. Affected: no.

Blueprint Genetics
Classification: Pathogenic for NSD1-related disorders. Last evaluated: 2019-09-10. Review status: criteria provided, single submitter. Criteria: ACMG Guidelines, 2015. Collection method: clinical testing. Allele origin: germline. Affected: yes. Observed: 1 variant allele.

Eurofins Ntd Llc (ga)
Classification: Pathogenic. Last evaluated: 2015-04-09. Review status: criteria provided, single submitter. Criteria: EGL Classification Definitions 2015. Collection method: clinical testing. Allele origin: germline. Observed: 1 variant allele, 1 heterozygote.

Literature cited by the submitters: PubMed 22924495 (cited by 3billion and Eurofins Ntd Llc (ga)).